The following is an entry in ClinVar:

NM_001363540.2(DOCK4):c.1468C>T (p.Arg490Trp)

Gene: DOCK4 (dedicator of cytokinesis 4; minus strand). Cytogenetic location: 7q31.1.
Variant type: single nucleotide variant.
Coding change: c.1468C>T on transcript NM_001363540.2 (MANE Select); coding-DNA position 1468, C replaced by T.
Protein change: p.Arg490Trp; replaces arginine 490 with tryptophan.
Molecular consequence: missense variant.
Genome position (GRCh38, 1-based): chr7:111,900,386, G>A on the plus strand (C>T on the coding strand, the complement: DOCK4 is on the minus strand). VCF-style: chr7-111900386-G-A. GRCh37 (hg19) VCF-style: chr7-111540442-G-A.
Other names: c.1468C>T, p.Arg490Trp (NM_014705.4); c.1468C>T (NM_014705.3); short protein forms R490W.
Identifiers: ClinVar variation 4084297 (VCV004084297.8).

ClinVar aggregate classification (germline): Uncertain significance. Review status: criteria provided, multiple submitters, no conflicts (2 of 4 stars). 2 submissions from 2 submitters: Uncertain significance (2). Last evaluated 2025-09-28.

gnomAD v4.1: 6 of 1,612,696 alleles (0.00037%); highest among the groups gnomAD compares: South Asian, 0.0011%; no homozygotes.

Submissions (2):

Ambry Genetics
Classification: Uncertain significance. Last evaluated: 2025-09-28. Review status: criteria provided, single submitter. Criteria: Ambry Variant Classification Scheme 2023. Collection method: clinical testing. Allele origin: germline.

CeGaT Center for Human Genetics Tuebingen
Classification: Uncertain significance. Last evaluated: 2025-07-01. Review status: criteria provided, single submitter. Criteria: CeGaT Center For Human Genetics Tuebingen Variant Classification Criteria Version 2. Collection method: clinical testing. Allele origin: germline. Affected: yes. Observed: 1 variant allele.
Comment: DOCK4: PP2